The following is an entry in ClinVar:

NM_021815.5(SLC5A7):c.1088_1089insTG (p.Tyr364fs)

Gene: SLC5A7 (solute carrier family 5 member 7; plus strand). Cytogenetic location: 2q12.3.
Variant type: Insertion.
Coding change: c.1088_1089insTG on transcript NM_021815.5 (MANE Select); coding-DNA positions 1088 to 1089, TG inserted.
Protein change: p.Tyr364fs; shifts the reading frame from tyrosine 364.
Molecular consequence: frameshift variant.
Genome position: GRCh38 VCF-style: chr2-108008657-T-TTG. GRCh37 (hg19) VCF-style: chr2-108625113-T-TTG.
Other names: c.1088_1089insTG, p.Tyr364fs (NM_001305005.3); c.773_774insTG, p.Tyr259fs (NM_001305006.3); c.347_348insTG, p.Tyr117fs (NM_001305007.3); short protein forms Y117fs, Y259fs, Y364fs.
Identifiers: ClinVar variation 1879482 (VCV001879482.29), dbSNP rs2467126743, ClinGen allele CA2580063715.

ClinVar aggregate classification (germline): Uncertain significance (1 of 4 stars; one submission).

Submission:

CeGaT Center for Human Genetics Tuebingen
Classification: Uncertain significance. Last evaluated: 2022-10-01. Review status: criteria provided, single submitter. Criteria: CeGaT Center For Human Genetics Tuebingen Variant Classification Criteria Version 2. Collection method: clinical testing. Allele origin: germline. Affected: yes. Observed: 1 variant allele.
Comment: SLC5A7: PM2, PVS1:Moderate, PP4